The following is an entry in ClinVar:

ClinVar aggregate classification (germline): Uncertain significance (1 of 4 stars; one submission).

Conditions:
DNA ligase IV deficiency. Identifiers: Orphanet 99812, MedGen C1847827, MONDO:0011686, OMIM 606593.

Allele frequency attached by ClinVar (database versions not stated): gnomAD exomes below 0.00001.

Submission:

Labcorp Genetics (formerly Invitae), Labcorp
Classification: Uncertain significance for DNA ligase IV deficiency. Last evaluated: 2025-07-14. Review status: criteria provided, single submitter. Criteria: Invitae Variant Classification Sherloc (09022015). Collection method: clinical testing. Allele origin: germline.
Comment: This sequence change replaces asparagine, which is neutral and polar, with aspartic acid, which is acidic and polar, at codon 680 of the LIG4 protein (p.Asn680Asp). This variant is not present in population databases (gnomAD no frequency). This variant has not been reported in the literature in individuals affected with LIG4-related conditions. ClinVar contains an entry for this variant (Variation ID: 1515798). Invitae Evidence Modeling of protein sequence and biophysical properties (such as structural, functional, and spatial information, amino acid conservation, physicochemical variation, residue mobility, and thermodynamic stability) has been performed for this missense variant. However, the output from this modeling did not meet the statistical confidence thresholds required to predict the impact of this variant on LIG4 protein function. In summary, the available evidence is currently insufficient to determine the role of this variant in disease. Therefore, it has been classified as a Variant of Uncertain Significance.

NM_206937.2(LIG4):c.2038A>G (p.Asn680Asp)

Gene: LIG4 (DNA ligase 4; minus strand). Cytogenetic location: 13q33.3.
Variant type: single nucleotide variant.
Coding change: c.2038A>G on transcript NM_206937.2 (MANE Select); coding-DNA position 2038, A replaced by G.
Protein change: p.Asn680Asp; replaces asparagine 680 with aspartic acid.
Molecular consequence: missense variant.
Genome position (GRCh38, 1-based): chr13:108,209,231, T>C on the plus strand (A>G on the coding strand, the complement: LIG4 is on the minus strand). VCF-style: chr13-108209231-T-C. GRCh37 (hg19) VCF-style: chr13-108861579-T-C.
Other names: c.2038A>G, p.Asn680Asp (NM_001098268.2, NM_001352598.2, NM_001352599.2 and 6 more transcripts); c.1837A>G, p.Asn613Asp (NM_001330595.2); c.2074A>G, p.Asn692Asp (NM_001352604.2); short protein forms N613D, N692D, N680D.
Identifiers: ClinVar variation 1515798 (VCV001515798.6), dbSNP rs2138969607, ClinGen allele CA388614318.